The following is an entry in ClinVar:

ClinVar aggregate classification (germline): Uncertain significance. Review status: criteria provided, multiple submitters, no conflicts (2 of 4 stars). 2 submissions from 2 submitters: Uncertain significance (2). Last evaluated 2024-10-14.

Conditions:
Atrial fibrillation, familial, 14 (ATFB14). Identifiers: MedGen C3809312, MONDO:0014156, OMIM 615378.
Cardiovascular phenotype. Identifiers: MedGen CN230736.

Submissions (2):

Ambry Genetics
Classification: Uncertain significance for Cardiovascular phenotype. Last evaluated: 2024-10-14. Review status: criteria provided, single submitter. Criteria: Ambry Variant Classification Scheme 2023. Collection method: clinical testing. Allele origin: germline.
Comment: The p.E149G variant (also known as c.446A>G), located in coding exon 3 of the SCN2B gene, results from an A to G substitution at nucleotide position 446. The glutamic acid at codon 149 is replaced by glycine, an amino acid with similar properties. This amino acid position is conserved. In addition, the in silico prediction for this alteration is inconclusive. Based on the available evidence, the clinical significance of this variant remains unclear.

Labcorp Genetics (formerly Invitae), Labcorp
Classification: Uncertain significance for Atrial fibrillation, familial, 14. Last evaluated: 2023-10-30. Review status: criteria provided, single submitter. Criteria: Invitae Variant Classification Sherloc (09022015). Collection method: clinical testing. Allele origin: germline.
Comment: This sequence change replaces glutamic acid, which is acidic and polar, with glycine, which is neutral and non-polar, at codon 149 of the SCN2B protein (p.Glu149Gly). This variant is not present in population databases (gnomAD no frequency). This variant has not been reported in the literature in individuals affected with SCN2B-related conditions. An algorithm developed to predict the effect of missense changes on protein structure and function (PolyPhen-2) suggests that this variant is likely to be disruptive. Algorithms developed to predict the effect of sequence changes on RNA splicing suggest that this variant may disrupt the consensus splice site. In summary, the available evidence is currently insufficient to determine the role of this variant in disease. Therefore, it has been classified as a Variant of Uncertain Significance.

NM_004588.5(SCN2B):c.446A>G (p.Glu149Gly)

Gene: SCN2B (sodium voltage-gated channel beta subunit 2; minus strand). Cytogenetic location: 11q23.3.
Variant type: single nucleotide variant.
Coding change: c.446A>G on transcript NM_004588.5 (MANE Select); coding-DNA position 446, A replaced by G.
Protein change: p.Glu149Gly; replaces glutamic acid 149 with glycine.
Molecular consequence: missense variant.
Genome position (GRCh38, 1-based): chr11:118,168,087, T>C on the plus strand (A>G on the coding strand, the complement: SCN2B is on the minus strand). VCF-style: chr11-118168087-T-C. GRCh37 (hg19) VCF-style: chr11-118038802-T-C.
Other names: c.446A>G (NM_004588.4); short protein forms E149G.
Identifiers: ClinVar variation 3023527 (VCV003023527.4), dbSNP rs2497600596, ClinGen allele CA382784320.